The following is an entry in ClinVar:

NM_001365951.3(KIF1B):c.2439A>C (p.Lys813Asn)

Gene: KIF1B (kinesin family member 1B; plus strand). Cytogenetic location: 1p36.22.
Variant type: single nucleotide variant.
Coding change: c.2439A>C on transcript NM_001365951.3 (MANE Select); coding-DNA position 2439, A replaced by C.
Protein change: p.Lys813Asn; replaces lysine 813 with asparagine.
Molecular consequence: missense variant.
Genome position (GRCh38, 1-based): chr1:10,323,964, A>C. VCF-style: chr1-10323964-A-C. GRCh37 (hg19) VCF-style: chr1-10384022-A-C.
Other names: c.2439A>C, p.Lys813Asn (NM_001365952.1); c.2301A>C, p.Lys767Asn (NM_015074.3); short protein forms K767N, K813N.
Identifiers: ClinVar variation 3288433 (VCV003288433.1).

ClinVar aggregate classification (germline): Uncertain significance (1 of 4 stars; one submission).

Submission:

Ambry Genetics
Classification: Uncertain significance. Last evaluated: 2024-04-30. Review status: criteria provided, single submitter. Criteria: Ambry Variant Classification Scheme 2023. Collection method: clinical testing. Allele origin: germline.
Comment: The p.K767N variant (also known as c.2301A>C), located in coding exon 22 of the KIF1B gene, results from an A to C substitution at nucleotide position 2301. The lysine at codon 767 is replaced by asparagine, an amino acid with similar properties. This amino acid position is conserved. In addition, this alteration is predicted to be tolerated by in silico analysis. Based on the available evidence, the clinical significance of this variant remains unclear.